The following is an entry in ClinVar:

ClinVar aggregate classification (germline): Uncertain significance. Review status: criteria provided, multiple submitters, no conflicts (2 of 4 stars). 7 submissions from 7 submitters: Uncertain significance (6). 1 of the submissions does not count toward it. Last evaluated 2023-11-08.

Conditions:
Hereditary cancer-predisposing syndrome. Also called: Neoplastic Syndromes, Hereditary; Tumor predisposition; Hereditary Cancer Syndrome; Hereditary neoplastic syndrome. Identifiers: Orphanet 140162, MedGen C0027672, MeSH D009386, MONDO:0015356.
Hereditary nonpolyposis colorectal neoplasms. Identifiers: MedGen C0009405, MeSH D003123.
Lynch syndrome 4 (LYNCH4). Also called: Colorectal cancer, hereditary nonpolyposis, type 4; Hereditary non-polyposis colorectal cancer, type 4. Identifiers: Orphanet 144, MedGen C1838333, MONDO:0013699, OMIM 614337. Disease mechanism: loss of function.

Allele frequency attached by ClinVar (database versions not stated): gnomAD 0.00001 and 0.00002; TOPMed 0.00001.
gnomAD v4.1: 2 of 1,613,978 alleles (0.00012%); highest among the groups gnomAD compares: African/African-American, 0.0027%; no homozygotes.

Submissions (7):

GeneDx
Classification: Uncertain significance. Last evaluated: 2023-11-08. Review status: criteria provided, single submitter. Criteria: GeneDx Variant Classification Process June 2021. Collection method: clinical testing. Allele origin: germline. Affected: yes.
Comment: Not observed at significant frequency in large population cohorts (gnomAD); In silico analysis supports that this missense variant has a deleterious effect on protein structure/function; Has not been previously published as pathogenic or benign to our knowledge; This variant is associated with the following publications: (PMID: 11574484)

Ambry Genetics
Classification: Uncertain significance for Hereditary cancer-predisposing syndrome. Last evaluated: 2023-10-25. Review status: criteria provided, single submitter. Criteria: Ambry Variant Classification Scheme 2023. Collection method: clinical testing. Allele origin: germline.
Comment: The p.F290V variant (also known as c.868T>G), located in coding exon 8 of the PMS2 gene, results from a T to G substitution at nucleotide position 868. The phenylalanine at codon 290 is replaced by valine, an amino acid with highly similar properties. This amino acid position is well conserved in available vertebrate species. In addition, this alteration is predicted to be deleterious by in silico analysis. Since supporting evidence is limited at this time, the clinical significance of this alteration remains unclear.

Baylor Genetics
Classification: Uncertain significance for Lynch syndrome 4. Last evaluated: 2023-05-31. Review status: criteria provided, single submitter. Criteria: ACMG Guidelines, 2015. Collection method: clinical testing. Allele origin: unknown.

Labcorp Genetics (formerly Invitae), Labcorp
Classification: Uncertain significance for Hereditary nonpolyposis colorectal neoplasms. Last evaluated: 2023-05-25. Review status: criteria provided, single submitter. Criteria: Invitae Variant Classification Sherloc (09022015). Collection method: clinical testing. Allele origin: germline.
Comment: This variant has not been reported in the literature in individuals affected with PMS2-related conditions. In summary, the available evidence is currently insufficient to determine the role of this variant in disease. Therefore, it has been classified as a Variant of Uncertain Significance. Advanced modeling of protein sequence and biophysical properties (such as structural, functional, and spatial information, amino acid conservation, physicochemical variation, residue mobility, and thermodynamic stability) has been performed at Invitae for this missense variant, however the output from this modeling did not meet the statistical confidence thresholds required to predict the impact of this variant on PMS2 protein function. ClinVar contains an entry for this variant (Variation ID: 231047). This variant is not present in population databases (gnomAD no frequency). This sequence change replaces phenylalanine, which is neutral and non-polar, with valine, which is neutral and non-polar, at codon 290 of the PMS2 protein (p.Phe290Val).

Myriad Genetics, Inc.
Classification: Uncertain significance for Lynch syndrome 4. Last evaluated: 2023-04-04. Review status: criteria provided, single submitter. Criteria: Myriad Autosomal Dominant, Autosomal Recessive and X-Linked Classification Criteria (2023). Collection method: clinical testing. Allele origin: unknown.
Comment: This variant is classified as a variant of uncertain significance as there is insufficient evidence to determine its impact on protein function and/or cancer risk.

Color Diagnostics, LLC DBA Color Health
Classification: Uncertain significance for Hereditary cancer-predisposing syndrome. Last evaluated: 2018-09-21. Review status: criteria provided, single submitter. Criteria: ACMG Guidelines, 2015. Collection method: clinical testing. Allele origin: germline.

Counsyl
Classification: Uncertain significance for Lynch syndrome 4. Last evaluated: 2018-05-14. Review status: no assertion criteria provided. Collection method: clinical testing. Allele origin: unknown. Not counted in ClinVar's aggregate classification.

NM_000535.7(PMS2):c.868T>G (p.Phe290Val)

Gene: PMS2 (PMS1 homolog 2, mismatch repair system component; minus strand). Cytogenetic location: 7p22.1.
Variant type: single nucleotide variant.
Coding change: c.868T>G on transcript NM_000535.7 (MANE Select); coding-DNA position 868, T replaced by G.
Protein change: p.Phe290Val; replaces phenylalanine 290 with valine.
Molecular consequence: missense variant. On other transcripts: 5 prime UTR variant (2), non-coding transcript variant (1).
Genome position (GRCh38, 1-based): chr7:5,995,569, A>C on the plus strand (T>G on the coding strand, the complement: PMS2 is on the minus strand). VCF-style: chr7-5995569-A-C. GRCh37 (hg19) VCF-style: chr7-6035200-A-C.
Other names: c.463T>G, p.Phe155Val (NM_001322003.2, NM_001322004.2, NM_001322005.2 and 2 more transcripts); c.868T>G, p.Phe290Val (NM_001322006.2, NM_001322014.2); c.550T>G, p.Phe184Val (NM_001322007.2, NM_001322008.2); c.-66T>G (NM_001322011.2, NM_001322012.2); c.295T>G, p.Phe99Val (NM_001322013.2); c.559T>G, p.Phe187Val (NM_001322015.2); short protein forms F290V, F99V, F184V, F155V, F187V.
Identifiers: ClinVar variation 231047 (VCV000231047.19), dbSNP rs587782833, ClinGen allele CA10578692.